The following is an entry in ClinVar:

ClinVar aggregate classification (germline): Uncertain significance. Review status: criteria provided, multiple submitters, no conflicts (2 of 4 stars). 2 submissions from 2 submitters: Uncertain significance (2). Last evaluated 2025-08-26.

Conditions:
Arrhythmogenic right ventricular cardiomyopathy (ARVD). Also called: Cardiomyopathy, ARVC; Arrhythmogenic cardiomyopathy; Arrhythmogenic Right Ventricular Cardiomyopathy (ARVC); Arrhythmogenic right ventricular dysplasia. Identifiers: Orphanet 247, MedGen C0349788, MeSH D019571, MONDO:0016587. Disease mechanism: loss of function. Inheritance: Various modes of inheritance.
Arrhythmogenic right ventricular dysplasia 10. Also called: ARRHYTHMOGENIC RIGHT VENTRICULAR DYSPLASIA, FAMILIAL, 10; Arrhythmogenic Right Ventricular Dysplasia/Cardiomyopathy10; Arrhythmogenic right ventricular dysplasia/cardiomyopathy, type 10. Identifiers: MedGen C1857777, MONDO:0012434, OMIM 610193.

Allele frequency attached by ClinVar (database versions not stated): gnomAD exomes below 0.00001; ExAC 0.00001; gnomAD 0.00001.
gnomAD v4.1: 4 of 1,614,032 alleles (0.00025%); highest among the groups gnomAD compares: African/African-American, 0.0013%; no homozygotes.

Submissions (2):

Labcorp Genetics (formerly Invitae), Labcorp
Classification: Uncertain significance for Arrhythmogenic right ventricular dysplasia 10. Last evaluated: 2025-08-26. Review status: criteria provided, single submitter. Criteria: Invitae Variant Classification Sherloc (09022015). Collection method: clinical testing. Allele origin: germline.
Comment: This sequence change replaces methionine, which is neutral and non-polar, with valine, which is neutral and non-polar, at codon 540 of the DSG2 protein (p.Met540Val). This variant is present in population databases (rs759101277, gnomAD 0.0009%). This variant has not been reported in the literature in individuals affected with DSG2-related conditions. ClinVar contains an entry for this variant (Variation ID: 2055897). Invitae Evidence Modeling of protein sequence and biophysical properties (such as structural, functional, and spatial information, amino acid conservation, physicochemical variation, residue mobility, and thermodynamic stability) indicates that this missense variant is not expected to disrupt DSG2 protein function with a negative predictive value of 95%. In summary, the available evidence is currently insufficient to determine the role of this variant in disease. Therefore, it has been classified as a Variant of Uncertain Significance.

All of Us Research Program, National Institutes of Health
Classification: Uncertain significance for Arrhythmogenic right ventricular cardiomyopathy. Last evaluated: 2024-03-24. Review status: criteria provided, single submitter. Criteria: ACMG Guidelines, 2015. Collection method: clinical testing. Allele origin: germline. Inheritance: Autosomal dominant inheritance. Observed: 2 variant alleles, 2 heterozygotes.
Comment: This missense variant replaces methionine with valine at codon 540 of the DSG2 protein. Computational prediction suggests that this variant may not impact protein structure and function (internally defined REVEL score threshold <= 0.5, PMID: 27666373). To our knowledge, functional studies have not been reported for this variant. This variant has not been reported in individuals affected with DSG2-related disorders in the literature. This variant has not been identified in the general population by the Genome Aggregation Database (gnomAD). The available evidence is insufficient to determine the role of this variant in disease conclusively. Therefore, this variant is classified as a Variant of Uncertain Significance.

This study involves interpretation of variants in research participants for the purpose of population health screening. Participant phenotype was not available at the time of variant classification. Additional details can be found in publication PMID: 35346344, PMCID: PMC8962531

NM_001943.5(DSG2):c.1618A>G (p.Met540Val)

Gene: DSG2 (desmoglein 2; plus strand). Cytogenetic location: 18q12.1.
Variant type: single nucleotide variant.
Coding change: c.1618A>G on transcript NM_001943.5 (MANE Select); coding-DNA position 1618, A replaced by G.
Protein change: p.Met540Val; replaces methionine 540 with valine.
Molecular consequence: missense variant.
Genome position (GRCh38, 1-based): chr18:31,536,396, A>G. VCF-style: chr18-31536396-A-G. GRCh37 (hg19) VCF-style: chr18-29116359-A-G.
Other names: short protein forms M540V.
Identifiers: ClinVar variation 2055897 (VCV002055897.4), dbSNP rs759101277, ClinGen allele CA043040.